The following is an entry in ClinVar:

ClinVar aggregate classification (germline): Conflicting classifications of pathogenicity. Review status: criteria provided, conflicting classifications (1 of 4 stars). 5 submissions from 5 submitters: Uncertain significance (1); Benign (3); Likely benign (1). Last evaluated 2026-01-20.

Allele frequency attached by ClinVar (database versions not stated): gnomAD exomes 0.00083; ExAC 0.00087; 1000 Genomes Project 0.00280; gnomAD 0.00280; ESP Exome Variant Server 0.00326; TOPMed 0.00338; 1000 Genomes Project 30x 0.00344.
gnomAD v4.1: 1,015 of 1,614,040 alleles (0.063%); highest among the groups gnomAD compares: African/African-American, 1.1%; 9 homozygotes.

Submissions (5):

Labcorp Genetics (formerly Invitae), Labcorp
Classification: Benign. Last evaluated: 2026-01-20. Review status: criteria provided, single submitter. Criteria: Invitae Variant Classification Sherloc (09022015). Collection method: clinical testing. Allele origin: germline.

Ambry Genetics
Classification: Uncertain significance. Last evaluated: 2025-11-07. Review status: criteria provided, single submitter. Criteria: Ambry Variant Classification Scheme 2023. Collection method: clinical testing. Allele origin: germline.

Blueprint Genetics
Classification: Likely benign. Last evaluated: 2024-08-12. Review status: criteria provided, single submitter. Criteria: ACMG Guidelines, 2015. Collection method: clinical testing. Allele origin: germline.

CeGaT Center for Human Genetics Tuebingen
Classification: Benign. Last evaluated: 2023-01-01. Review status: criteria provided, single submitter. Criteria: CeGaT Center For Human Genetics Tuebingen Variant Classification Criteria Version 2. Collection method: clinical testing. Allele origin: germline. Affected: yes. Observed: 1 variant allele.
Comment: PITRM1: BP4, BS1, BS2; PITRM1-AS1: BS1, BS2

Breakthrough Genomics
Classification: Benign. Review status: criteria provided, single submitter. Criteria: ACMG Guidelines, 2015. Collection method: not provided. Allele origin: germline. Inheritance: Autosomal recessive inheritance. Affected: yes.

NM_014889.4(PITRM1):c.2192C>T (p.Thr731Met)

Genes: PITRM1 (pitrilysin metallopeptidase 1; minus strand), PITRM1-AS1 (PITRM1 antisense RNA 1; plus strand). Cytogenetic location: 10p15.2.
Variant type: single nucleotide variant.
Coding change: c.2192C>T on transcript NM_014889.4 (MANE Select); coding-DNA position 2192, C replaced by T.
Protein change: p.Thr731Met; replaces threonine 731 with methionine.
Molecular consequence: missense variant. On other transcripts: non-coding transcript variant (5).
Genome position (GRCh38, 1-based): chr10:3,147,615, G>A on the plus strand (C>T on the coding strand, the complement: PITRM1 is on the minus strand). VCF-style: chr10-3147615-G-A. GRCh37 (hg19) VCF-style: chr10-3189807-G-A.
Other names: c.1898C>T, p.Thr633Met (NM_001242309.1); c.2195C>T, p.Thr732Met (NM_001242307.2); c.1994C>T, p.Thr665Met (NM_001347725.2); c.1379C>T, p.Thr460Met (NM_001347726.2); c.1577C>T, p.Thr526Met (NM_001347727.2); c.887C>T, p.Thr296Met (NM_001347728.2); c.2168C>T, p.Thr723Met (NM_001347729.1); c.1970C>T, p.Thr657Met (NM_001347730.1); and 1 more; short protein forms T633M, T665M, T296M, T460M, T657M, T723M, T731M, T732M.
Identifiers: ClinVar variation 720677 (VCV000720677.34), dbSNP rs79257157, ClinGen allele CA5387506.
Genomic context (GRCh38, chr10:3,147,615, plus strand): 5'-CCTTCCAAGCTTCCCACCTGATCCATCCCGCTGAAGGTCTCCTGCAGGTCCCCTGCGGGC[G>A]TGAGGGTCCGGCCTGCCCTGATGGATGCGTACAGGTGCCCAGAGTCAGGAATTCCATTGG-3'
Protein context (NP_055704.2, residues 721-741): YASIRAGRTL[Thr731Met]PAGDLQETFS